The following is an entry in ClinVar:

NM_020921.4(NIN):c.3542C>G (p.Ser1181Cys)

Gene: NIN (ninein; minus strand). Cytogenetic location: 14q22.1.
Variant type: single nucleotide variant.
Coding change: c.3542C>G on transcript NM_020921.4 (MANE Select); coding-DNA position 3542, C replaced by G.
Protein change: p.Ser1181Cys; replaces serine 1181 with cysteine.
Molecular consequence: missense variant. On other transcripts: intron variant (1).
Genome position (GRCh38, 1-based): chr14:50,757,488, G>C on the plus strand (C>G on the coding strand, the complement: NIN is on the minus strand). VCF-style: chr14-50757488-G-C. GRCh37 (hg19) VCF-style: chr14-51224206-G-C.
Other names: c.3542C>G (NM_020921.3); c.3542C>G, p.Ser1181Cys (NM_182944.3, NM_182946.2); c.2399+2369C>G (NM_016350.5); short protein forms S1181C.
Identifiers: ClinVar variation 1935974 (VCV001935974.6), dbSNP rs201883434, ClinGen allele CA7181718.
Genomic context (GRCh38, chr14:50,757,488, plus strand): 5'-CTAATCTGATTCTTCAGCTCCCAGGATTCAGTCCTGGTCTCTTCACTGTTTTCAAGCTCA[G>C]AAAAACCCTCTACTGAAGCTTCAGACTCCTCTATTTTGACTTCCTGTCTCTGAACAGAGC-3'
Protein context (NP_065972.4, residues 1171-1191): EESEASVEGF[Ser1181Cys]ELENSEETRT

ClinVar aggregate classification (germline): Uncertain significance. Review status: criteria provided, multiple submitters, no conflicts (2 of 4 stars). 2 submissions from 2 submitters: Uncertain significance (2). Last evaluated 2025-09-28.

Allele frequency attached by ClinVar (database versions not stated): ExAC 0.00001; gnomAD 0.00001.
gnomAD v4.1: 5 of 1,613,838 alleles (0.00031%); highest among the groups gnomAD compares: Non-Finnish European, 0.00017%; no homozygotes.

Submissions (2):

Ambry Genetics
Classification: Uncertain significance. Last evaluated: 2025-09-28. Review status: criteria provided, single submitter. Criteria: Ambry Variant Classification Scheme 2023. Collection method: clinical testing. Allele origin: germline.

Labcorp Genetics (formerly Invitae), Labcorp
Classification: Uncertain significance. Last evaluated: 2022-10-10. Review status: criteria provided, single submitter. Criteria: Invitae Variant Classification Sherloc (09022015). Collection method: clinical testing. Allele origin: germline.
Comment: This variant is present in population databases (rs201883434, gnomAD 0.0009%). In summary, the available evidence is currently insufficient to determine the role of this variant in disease. Therefore, it has been classified as a Variant of Uncertain Significance. Algorithms developed to predict the effect of missense changes on protein structure and function are either unavailable or do not agree on the potential impact of this missense change (SIFT: "Tolerated"; PolyPhen-2: "Probably Damaging"; Align-GVGD: "Class C0"). This variant has not been reported in the literature in individuals affected with NIN-related conditions. This sequence change replaces serine, which is neutral and polar, with cysteine, which is neutral and slightly polar, at codon 1181 of the NIN protein (p.Ser1181Cys).